The following is an entry in ClinVar:

NM_017908.4(ZNF446):c.117T>G (p.Gly39=)

Gene: ZNF446 (zinc finger protein 446; plus strand). Cytogenetic location: 19q13.43.
Variant type: single nucleotide variant.
Coding change: c.117T>G on transcript NM_017908.4 (MANE Select); coding-DNA position 117, T replaced by G.
Protein change: p.Gly39=; no amino-acid change (glycine 39 retained).
Molecular consequence: synonymous variant.
Genome position (GRCh38, 1-based): chr19:58,477,335, T>G. VCF-style: chr19-58477335-T-G. GRCh37 (hg19) VCF-style: chr19-58988702-T-G.
Other names: c.117T>G, p.Gly39= (NM_001304453.1).
Identifiers: ClinVar variation 2650590 (VCV002650590.24), dbSNP rs2514197363, ClinGen allele CA509301416.

ClinVar aggregate classification (germline): Likely benign (1 of 4 stars; one submission).

Submission:

CeGaT Center for Human Genetics Tuebingen
Classification: Likely benign. Last evaluated: 2022-06-01. Review status: criteria provided, single submitter. Criteria: CeGaT Center For Human Genetics Tuebingen Variant Classification Criteria Version 2. Collection method: clinical testing. Allele origin: germline. Affected: yes. Observed: 1 variant allele.
Comment: ZNF446: PM2:Supporting, BP4, BP7